The following is an entry in ClinVar:

NC_000013.11:g.(?_48307270)_(48349033_?)del

Gene: RB1 (RB transcriptional corepressor 1; plus strand). Cytogenetic location: 13q14.2.
Variant type: Deletion.
Identifiers: ClinVar variation 654679 (VCV000654679.1).

ClinVar aggregate classification (germline): Pathogenic (1 of 4 stars; one submission).

Conditions:
Retinoblastoma (RB1). Also called: RETINOBLASTOMA, SOMATIC. Identifiers: Orphanet 790, MedGen C0035335, MeSH D012175, MONDO:0008380, OMIM 180200, HP:0009919. Disease mechanism: loss of function. Inheritance: Both sporadic and heritable forms are tested..

Submission:

Labcorp Genetics (formerly Invitae), Labcorp
Classification: Pathogenic for Retinoblastoma. Last evaluated: 2018-10-16. Review status: criteria provided, single submitter. Criteria: Invitae Variant Classification Sherloc (09022015). Collection method: clinical testing. Allele origin: germline.
Comment: This variant is an out-of-frame deletion of the genomic region encompassing exons 2-6 of the RB1 gene. This is expected to create a premature translational stop signal and result in an absent or disrupted protein product. This variant has been observed in an individual affected with retinoblastoma (PMID: 16127685). ClinVar contains an entry for this variant (Variation ID:Â¬â€ 458111). Loss-of-function variants in RB1 are known to be pathogenic (PMID: 17096365). For these reasons, this variant has been classified as Pathogenic.

Literature cited by the submitters: PubMed 16127685.